The following is an entry in ClinVar:

NM_006030.4(CACNA2D2):c.2393A>C (p.His798Pro)

Genes: CACNA2D2 (calcium voltage-gated channel auxiliary subunit alpha2delta 2; minus strand), LOC101928965 (uncharacterized LOC101928965; plus strand), LOC127898564 (CYB561D2-LOC101928965; plus strand). Cytogenetic location: 3p21.31.
Variant type: single nucleotide variant.
Coding change: c.2393A>C on transcript NM_006030.4 (MANE Select); coding-DNA position 2393, A replaced by C.
Protein change: p.His798Pro; replaces histidine 798 with proline.
Molecular consequence: missense variant.
Genome position (GRCh38, 1-based): chr3:50,367,402, T>G on the plus strand (A>C on the coding strand, the complement: CACNA2D2 is on the minus strand). VCF-style: chr3-50367402-T-G. GRCh37 (hg19) VCF-style: chr3-50404833-T-G.
Other names: c.2393A>C, p.His798Pro (NM_001005505.3); c.2414A>C, p.His805Pro (NM_001174051.3); c.2186A>C, p.His729Pro (NM_001291101.1); short protein forms H798P, H729P, H805P.
Identifiers: ClinVar variation 1373160 (VCV001373160.7), dbSNP rs2109409052, ClinGen allele CA352912870.

ClinVar aggregate classification (germline): Uncertain significance (1 of 4 stars; one submission).

Conditions:
Early-infantile DEE. Also called: Early infantile epileptic encephalopathy with suppression bursts; Early infantile epileptic encephalopathy; Ohtahara syndrome. Identifiers: Orphanet 1934, MedGen C0393706, MONDO:0800491.

Submission:

Labcorp Genetics (formerly Invitae), Labcorp
Classification: Uncertain significance for Early-infantile DEE. Last evaluated: 2022-07-12. Review status: criteria provided, single submitter. Criteria: Invitae Variant Classification Sherloc (09022015). Collection method: clinical testing. Allele origin: germline.
Comment: This sequence change replaces histidine, which is basic and polar, with proline, which is neutral and non-polar, at codon 798 of the CACNA2D2 protein (p.His798Pro). This variant is not present in population databases (gnomAD no frequency). This variant has not been reported in the literature in individuals affected with CACNA2D2-related conditions. ClinVar contains an entry for this variant (Variation ID: 1373160). Algorithms developed to predict the effect of missense changes on protein structure and function are either unavailable or do not agree on the potential impact of this missense change (SIFT: "Deleterious"; PolyPhen-2: "Benign"; Align-GVGD: "Class C0"). In summary, the available evidence is currently insufficient to determine the role of this variant in disease. Therefore, it has been classified as a Variant of Uncertain Significance.